The following is an entry in ClinVar:

ClinVar aggregate classification (germline): Uncertain significance (1 of 4 stars; one submission).

Conditions:
Familial cancer of breast. Also called: Hereditary breast cancer; BREAST CANCER, FAMILIAL; hereditary breast carcinoma. Identifiers: Orphanet 227535, MedGen C0346153, MONDO:0016419, OMIM 114480. Disease mechanism: loss of function.

Submission:

Labcorp Genetics (formerly Invitae), Labcorp
Classification: Uncertain significance for Familial cancer of breast. Last evaluated: 2024-12-22. Review status: criteria provided, single submitter. Criteria: Invitae Variant Classification Sherloc (09022015). Collection method: clinical testing. Allele origin: germline.
Comment: This sequence change replaces lysine, which is basic and polar, with glutamic acid, which is acidic and polar, at codon 583 of the BARD1 protein (p.Lys583Glu). This variant is not present in population databases (gnomAD no frequency). This variant has not been reported in the literature in individuals affected with BARD1-related conditions. An algorithm developed to predict the effect of missense changes on protein structure and function (PolyPhen-2) suggests that this variant is likely to be tolerated. In summary, the available evidence is currently insufficient to determine the role of this variant in disease. Therefore, it has been classified as a Variant of Uncertain Significance.

NM_000465.4(BARD1):c.1747A>G (p.Lys583Glu)

Gene: BARD1 (BRCA1 associated RING domain 1; minus strand). Cytogenetic location: 2q35.
Variant type: single nucleotide variant.
Coding change: c.1747A>G on transcript NM_000465.4 (MANE Select); coding-DNA position 1747, A replaced by G.
Protein change: p.Lys583Glu; replaces lysine 583 with glutamic acid.
Molecular consequence: missense variant. On other transcripts: non-coding transcript variant (3), intron variant (1).
Genome position (GRCh38, 1-based): chr2:214,745,785, T>C on the plus strand (A>G on the coding strand, the complement: BARD1 is on the minus strand). VCF-style: chr2-214745785-T-C. GRCh37 (hg19) VCF-style: chr2-215610509-T-C.
Other names: c.1690A>G, p.Lys564Glu (NM_001282543.2); c.394A>G, p.Lys132Glu (NM_001282545.2); c.337A>G, p.Lys113Glu (NM_001282548.2); c.365-15277A>G (NM_001282549.2); short protein forms K113E, K583E, K564E, K132E.
Identifiers: ClinVar variation 3727743 (VCV003727743.2).